The following is an entry in ClinVar:

ClinVar aggregate classification (germline): Uncertain significance (1 of 4 stars; one submission).

Conditions:
Hypertrophic cardiomyopathy 26. Also called: Cardiomyopathy, familial hypertrophic, 26. Identifiers: Orphanet 75249, MedGen C4310749, MONDO:0014883, OMIM 617047.
Myofibrillar myopathy 5. Also called: Filaminopathy (type); FILAMINOPATHY, AUTOSOMAL DOMINANT. Identifiers: Orphanet 171445, MedGen C1836050, MONDO:0012289, OMIM 609524.
Distal myopathy with posterior leg and anterior hand involvement. Also called: WILLIAMS DISTAL MYOPATHY. Identifiers: Orphanet 63273, MedGen C3279722, MONDO:0013550, OMIM 614065.

Allele frequency attached by ClinVar (database versions not stated): gnomAD exomes below 0.00001.
gnomAD v4.1: 1 of 1,614,120 alleles (0.000062%); highest among the groups gnomAD compares: Middle Eastern, 0.016%; no homozygotes.

Submission:

Labcorp Genetics (formerly Invitae), Labcorp
Classification: Uncertain significance for Distal myopathy with posterior leg and anterior hand involvement; Myofibrillar myopathy 5; Hypertrophic cardiomyopathy 26. Last evaluated: 2023-12-11. Review status: criteria provided, single submitter. Criteria: Invitae Variant Classification Sherloc (09022015). Collection method: clinical testing. Allele origin: germline.
Comment: This sequence change replaces glycine, which is neutral and non-polar, with tryptophan, which is neutral and slightly polar, at codon 1890 of the FLNC protein (p.Gly1890Trp). This variant also falls at the last nucleotide of exon 34, which is part of the consensus splice site for this exon. This variant is not present in population databases (gnomAD no frequency). This variant has not been reported in the literature in individuals affected with FLNC-related conditions. ClinVar contains an entry for this variant (Variation ID: 1447730). An algorithm developed to predict the effect of missense changes on protein structure and function (PolyPhen-2) suggests that this variant is likely to be disruptive. Variants that disrupt the consensus splice site are a relatively common cause of aberrant splicing (PMID: 17576681, 9536098). Algorithms developed to predict the effect of sequence changes on RNA splicing suggest that this variant may disrupt the consensus splice site. In summary, the available evidence is currently insufficient to determine the role of this variant in disease. Therefore, it has been classified as a Variant of Uncertain Significance.

Literature cited by the submitters: PubMed 17576681; PubMed 9536098.

NM_001458.5(FLNC):c.5668G>T (p.Gly1890Trp)

Genes: FLNC-AS1 (FLNC antisense RNA 1; minus strand), FLNC (filamin C; plus strand). Cytogenetic location: 7q32.1.
Variant type: single nucleotide variant.
Coding change: c.5668G>T on transcript NM_001458.5 (MANE Select); coding-DNA position 5668, G replaced by T.
Protein change: p.Gly1890Trp; replaces glycine 1890 with tryptophan.
Molecular consequence: missense variant.
Genome position (GRCh38, 1-based): chr7:128,851,360, G>T. VCF-style: chr7-128851360-G-T. GRCh37 (hg19) VCF-style: chr7-128491414-G-T.
Other names: c.5569G>T, p.Gly1857Trp (NM_001127487.2); short protein forms G1890W, G1857W.
Identifiers: ClinVar variation 1447730 (VCV001447730.8), dbSNP rs1808803000, ClinGen allele CA369207899.